The following is an entry in ClinVar:

NM_014244.5(ADAMTS2):c.1501A>G (p.Met501Val)

Gene: ADAMTS2 (ADAM metallopeptidase with thrombospondin type 1 motif 2; minus strand). Cytogenetic location: 5q35.3.
Variant type: single nucleotide variant.
Coding change: c.1501A>G on transcript NM_014244.5 (MANE Select); coding-DNA position 1501, A replaced by G.
Protein change: p.Met501Val; replaces methionine 501 with valine.
Molecular consequence: missense variant.
Genome position (GRCh38, 1-based): chr5:179,153,505, T>C on the plus strand (A>G on the coding strand, the complement: ADAMTS2 is on the minus strand). VCF-style: chr5-179153505-T-C. GRCh37 (hg19) VCF-style: chr5-178580506-T-C.
Other names: c.1501A>G, p.Met501Val (NM_021599.4); short protein forms M501V.
Identifiers: ClinVar variation 707400 (VCV000707400.14), dbSNP rs757394676, ClinGen allele CA3595899.

ClinVar aggregate classification (germline): Likely benign. Review status: criteria provided, multiple submitters, no conflicts (2 of 4 stars). 3 submissions from 3 submitters: Likely benign (2). 1 of the submissions does not count toward it. Last evaluated 2026-05-04.

Conditions:
Ehlers-Danlos syndrome, dermatosparaxis type. Also called: EDS VIIC; Ehlers-Danlos syndrome, type VII, autosomal recessive; Dermatosparaxis. Identifiers: Orphanet 1901, MedGen C2700425, MONDO:0009161, OMIM 225410.

Allele frequency attached by ClinVar (database versions not stated): gnomAD 0.00001 and 0.00002; gnomAD exomes 0.00030 and 0.00013; TOPMed 0.00008; ExAC 0.00024.
gnomAD v4.1: 81 of 1,609,520 alleles (0.005%); highest among the groups gnomAD compares: Admixed American, 0.13%; no homozygotes.

Submissions (3):

Women's Health and Genetics/Laboratory Corporation of America, LabCorp
Classification: Likely benign. Last evaluated: 2026-05-04. Review status: criteria provided, single submitter. Criteria: LabCorp Variant Classification Summary - May 2015. Collection method: clinical testing. Allele origin: germline.
Comment: Variant summary: ADAMTS2 c.1501A>G (p.Met501Val) results in a conservative amino acid change in the encoded protein sequence. Algorithms developed to predict the effect of missense changes on protein structure and function are either unavailable or do not agree on the potential impact of this missense change. The variant allele was found at a frequency of 0.0003 in 246682 control chromosomes, predominantly at a frequency of 0.002 within the Latino subpopulation in the gnomAD database. The observed variant frequency within Latino control individuals in the gnomAD database exceeds the estimated maximal expected allele frequency for disease-causing variants in ADAMTS2. To our knowledge, no occurrence of c.1501A>G in individuals affected with ADAMTS2-related conditions and no experimental evidence demonstrating its impact on protein function have been reported. ClinVar contains an entry for this variant (Variation ID: 707400). Based on the evidence outlined above, the variant was classified as likely benign.

Labcorp Genetics (formerly Invitae), Labcorp
Classification: Likely benign for Ehlers-Danlos syndrome, dermatosparaxis type. Last evaluated: 2026-01-26. Review status: criteria provided, single submitter. Criteria: Invitae Variant Classification Sherloc (09022015). Collection method: clinical testing. Allele origin: germline.

Natera, Inc.
Classification: Likely benign for Ehlers-Danlos syndrome type VIIC. Last evaluated: 2019-11-11. Review status: no assertion criteria provided. Collection method: clinical testing. Allele origin: germline. Not counted in ClinVar's aggregate classification.